The following is an entry in ClinVar:

NM_000246.4(CIITA):c.2658-138G>A

Gene: CIITA (class II major histocompatibility complex transactivator; plus strand). Cytogenetic location: 16p13.13.
Variant type: single nucleotide variant.
Coding change: c.2658-138G>A on transcript NM_000246.4 (MANE Select); 138 bases into the intron before coding-DNA position 2658, G replaced by A.
Molecular consequence: intron variant.
Genome position (GRCh38, 1-based): chr16:10,908,891, G>A. VCF-style: chr16-10908891-G-A. GRCh37 (hg19) VCF-style: chr16-11002748-G-A.
Other names: c.2661-138G>A (NM_001286402.1, NM_001379332.1); c.2514-138G>A (NM_001379330.1); c.2658-138G>A (NM_001379333.1); c.2511-138G>A (NM_001379331.1); c.860-92G>A (NM_001286403.2); c.2589-138G>A (NM_001379334.1).
Identifiers: ClinVar variation 102999 (VCV000102999.2), dbSNP rs199476075, ClinGen allele CA229975.

ClinVar aggregate classification (germline): not provided (0 of 4 stars; one submission).

Allele frequency attached by ClinVar (database versions not stated): 1000 Genomes Project 0.00060; 1000 Genomes Project 30x 0.00062; gnomAD 0.00131 and 0.00134; TOPMed 0.00140; gnomAD exomes 0.00201.
gnomAD v4.1: 2,408 of 1,268,358 alleles (0.19%); highest among the groups gnomAD compares: Non-Finnish European, 0.25%; 6 homozygotes.

Submission:

Human Evolutionary Genetics, Institut Pasteur
No classification provided. Review status: no classification provided. Collection method: not provided. Allele origin: germline.
ClinVar note: Converted during submission from untested to not provided.